The following is an entry in ClinVar:

NM_001009999.3(KDM1A):c.566G>A (p.Gly189Asp)

Gene: KDM1A (lysine demethylase 1A; plus strand). Cytogenetic location: 1p36.12.
Variant type: single nucleotide variant.
Coding change: c.566G>A on transcript NM_001009999.3 (MANE Select); coding-DNA position 566, G replaced by A.
Protein change: p.Gly189Asp; replaces glycine 189 with aspartic acid.
Molecular consequence: missense variant. On other transcripts: intron variant (3).
Genome position (GRCh38, 1-based): chr1:23,044,475, G>A. VCF-style: chr1-23044475-G-A. GRCh37 (hg19) VCF-style: chr1-23370968-G-A.
Other names: c.566G>A, p.Gly189Asp (NM_001410762.1); c.518-5912G>A (NM_001363654.2, NM_001410763.1, NM_015013.4); short protein forms G189D.
Identifiers: ClinVar variation 4858700 (VCV004858700.1).

ClinVar aggregate classification (germline): Uncertain significance (1 of 4 stars; one submission).

Conditions:
Inborn genetic diseases. Identifiers: MedGen C0950123, MeSH D030342.

Submission:

Ambry Genetics
Classification: Uncertain significance for Inborn genetic diseases. Last evaluated: 2026-03-29. Review status: criteria provided, single submitter. Criteria: Ambry Variant Classification Scheme 2023. Collection method: clinical testing. Allele origin: germline.
Comment: The p.G189D variant (also known as c.566G>A), located in coding exon 3 of the KDM1A gene, results from a G to A substitution at nucleotide position 566. The glycine at codon 189 is replaced by aspartic acid, an amino acid with similar properties. This amino acid position is conserved. In addition, this alteration is predicted to be tolerated by in silico analysis. Based on the available evidence, the clinical significance of this variant remains unclear.